The following is an entry in ClinVar:

ClinVar aggregate classification (germline): Benign/Likely benign. Review status: criteria provided, multiple submitters, no conflicts (2 of 4 stars). 4 submissions from 4 submitters: Benign (1); Likely benign (2). 1 of the submissions does not count toward it. Last evaluated 2024-10-30.

Conditions:
Prostate cancer, hereditary, 9 (HPC9). Identifiers: Orphanet 1331, MedGen C1970250, MONDO:0012597, OMIM 610997.
Prostate cancer, hereditary, 1 (HPC1). Identifiers: Orphanet 1331, MedGen C4722327, MONDO:0011098, OMIM 601518.
Hereditary cancer-predisposing syndrome. Also called: Neoplastic Syndromes, Hereditary; Tumor predisposition; Hereditary neoplastic syndrome; Hereditary Cancer Syndrome. Identifiers: Orphanet 140162, MedGen C0027672, MeSH D009386, MONDO:0015356.

Allele frequency attached by ClinVar (database versions not stated): gnomAD exomes 0.00001.

Submissions (4):

Myriad Genetics, Inc.
Classification: Benign for Prostate cancer, hereditary, 9. Last evaluated: 2024-10-30. Review status: criteria provided, single submitter. Criteria: Myriad Autosomal Dominant, Autosomal Recessive and X-Linked Classification Criteria (2023). Collection method: clinical testing. Allele origin: unknown.
Comment: This variant is considered benign. This variant is a silent/synonymous amino acid change and it is not expected to impact splicing.

Labcorp Genetics (formerly Invitae), Labcorp
Classification: Likely benign. Last evaluated: 2024-02-01. Review status: criteria provided, single submitter. Criteria: Invitae Variant Classification Sherloc (09022015). Collection method: clinical testing. Allele origin: germline.

Ambry Genetics
Classification: Likely benign for Hereditary cancer-predisposing syndrome. Last evaluated: 2020-04-16. Review status: criteria provided, single submitter. Criteria: Ambry Variant Classification Scheme 2023. Collection method: clinical testing. Allele origin: germline.

Laboratory of Virology, Microbiology,  Quality and Medical Biotechnologies, Faculty of Sciences and Techniques - Mohammedia, Hassan II University of Casablanca
Classification: Uncertain significance for Prostate cancer, hereditary, 1. Review status: no assertion criteria provided. Collection method: clinical testing. Allele origin: somatic. Affected: yes. Not counted in ClinVar's aggregate classification.

NM_006361.6(HOXB13):c.720C>T (p.Phe240=)

Gene: HOXB13 (homeobox B13; minus strand). Cytogenetic location: 17q21.32.
Variant type: single nucleotide variant.
Coding change: c.720C>T on transcript NM_006361.6 (MANE Select); coding-DNA position 720, C replaced by T.
Protein change: p.Phe240=; no amino-acid change (phenylalanine 240 retained).
Molecular consequence: synonymous variant.
Genome position (GRCh38, 1-based): chr17:48,726,925, G>A on the plus strand (C>T on the coding strand, the complement: HOXB13 is on the minus strand). VCF-style: chr17-48726925-G-A. GRCh37 (hg19) VCF-style: chr17-46804287-G-A.
Identifiers: ClinVar variation 691162 (VCV000691162.14), dbSNP rs1597932759, ClinGen allele CA500500832.